The following is an entry in ClinVar:

NM_001031689.3(PLAA):c.1957_1958delinsAT (p.Pro653Ile)

Gene: PLAA (phospholipase A2 activating protein; minus strand). Cytogenetic location: 9p21.2.
Variant type: Indel.
Coding change: c.1957_1958delinsAT on transcript NM_001031689.3 (MANE Select); coding-DNA positions 1957 to 1958, CC replaced by AT.
Protein change: p.Pro653Ile; replaces proline 653 with isoleucine.
Molecular consequence: missense variant.
Genome position (GRCh38, 1-based): chr9:26,905,941-26,905,942, GG replaced by AT on the plus strand (CC replaced by AT on the coding strand, the reverse complement: PLAA is on the minus strand). VCF-style: chr9-26905941-GG-AT. GRCh37 (hg19) VCF-style: chr9-26905939-GG-AT.
Other names: c.1888_1889delinsAT, p.Pro630Ile (NM_001321546.2); short protein forms P630I, P653I.
Identifiers: ClinVar variation 2013465 (VCV002013465.4), dbSNP rs2489157116, ClinGen allele CA2580080300.

ClinVar aggregate classification (germline): Uncertain significance. Review status: criteria provided, multiple submitters, no conflicts (2 of 4 stars). 2 submissions from 2 submitters: Uncertain significance (2). Last evaluated 2023-02-17.

Conditions:
Neurodevelopmental disorder with progressive microcephaly, spasticity, and brain anomalies. Identifiers: Orphanet 521426, MedGen C4479631, MONDO:0060502, OMIM 617527.

Submissions (2):

Revvity Omics, Revvity
Classification: Uncertain significance for Neurodevelopmental disorder with progressive microcephaly, spasticity, and brain anomalies. Last evaluated: 2023-02-17. Review status: criteria provided, single submitter. Criteria: ACMG Guidelines, 2015. Collection method: clinical testing. Allele origin: germline.

Labcorp Genetics (formerly Invitae), Labcorp
Classification: Uncertain significance. Last evaluated: 2022-07-03. Review status: criteria provided, single submitter. Criteria: Invitae Variant Classification Sherloc (09022015). Collection method: clinical testing. Allele origin: germline.
Comment: In summary, the available evidence is currently insufficient to determine the role of this variant in disease. Therefore, it has been classified as a Variant of Uncertain Significance. Algorithms developed to predict the effect of missense changes on protein structure and function are either unavailable or do not agree on the potential impact of this missense change (SIFT: "Not Available"; PolyPhen-2: "Benign"; Align-GVGD: "Not Available"). This variant has not been reported in the literature in individuals affected with PLAA-related conditions. Information on the frequency of this variant in the gnomAD database is not available, as this variant may be reported differently in the database. This sequence change replaces proline, which is neutral and non-polar, with isoleucine, which is neutral and non-polar, at codon 653 of the PLAA protein (p.Pro653Ile).